The following is an entry in ClinVar:

ClinVar aggregate classification (germline): Uncertain significance (1 of 4 stars; one submission).

Conditions:
Familial focal epilepsy with variable foci (FPEVF). Identifiers: Orphanet 98820, MedGen C1858477, MONDO:0020310.

gnomAD v4.1: 1 of 1,606,144 alleles (0.000062%); highest among the groups gnomAD compares: Admixed American, 0.0017%; no homozygotes.

Submission:

Labcorp Genetics (formerly Invitae), Labcorp
Classification: Uncertain significance for Familial focal epilepsy with variable foci. Last evaluated: 2024-07-22. Review status: criteria provided, single submitter. Criteria: Invitae Variant Classification Sherloc (09022015). Collection method: clinical testing. Allele origin: germline.
Comment: This sequence change replaces alanine, which is neutral and non-polar, with threonine, which is neutral and polar, at codon 884 of the DEPDC5 protein (p.Ala884Thr). This variant is present in population databases (no rsID available, gnomAD 0.003%). This variant has not been reported in the literature in individuals affected with DEPDC5-related conditions. ClinVar contains an entry for this variant (Variation ID: 1934817). Experimental studies and prediction algorithms are not available or were not evaluated, and the functional significance of this variant is currently unknown. In summary, the available evidence is currently insufficient to determine the role of this variant in disease. Therefore, it has been classified as a Variant of Uncertain Significance.

NM_001242896.3(DEPDC5):c.2650G>A (p.Ala884Thr)

Gene: DEPDC5 (DEP domain containing 5, GATOR1 subcomplex subunit; plus strand). Cytogenetic location: 22q12.3.
Variant type: single nucleotide variant.
Coding change: c.2650G>A on transcript NM_001242896.3 (MANE Select); coding-DNA position 2650, G replaced by A.
Protein change: p.Ala884Thr; replaces alanine 884 with threonine.
Molecular consequence: missense variant. On other transcripts: non-coding transcript variant (5).
Genome position (GRCh38, 1-based): chr22:31,843,661, G>A. VCF-style: chr22-31843661-G-A. GRCh37 (hg19) VCF-style: chr22-32239647-G-A.
Other names: c.2623G>A, p.Ala875Thr (NM_001136029.4, NM_001369903.1, NM_014662.6); c.2416G>A, p.Ala806Thr (NM_001242897.2, NM_001363854.2, NM_001364319.2); c.2650G>A, p.Ala884Thr (NM_001363852.2, NM_001364318.2, NM_001364320.2); c.2566G>A, p.Ala856Thr (NM_001369901.1, NM_001369902.1); short protein forms A856T, A806T, A875T, A884T.
Identifiers: ClinVar variation 1934817 (VCV001934817.5), dbSNP rs763490776, ClinGen allele CA323342478.